The following is an entry in ClinVar:

NM_002292.4(LAMB2):c.3425-3C>A

Gene: LAMB2 (laminin subunit beta 2; minus strand). Cytogenetic location: 3p21.31.
Variant type: single nucleotide variant.
Coding change: c.3425-3C>A on transcript NM_002292.4 (MANE Select); 3 bases into the intron before coding-DNA position 3425, C replaced by A.
Molecular consequence: intron variant.
Genome position (GRCh38, 1-based): chr3:49,124,103, G>T on the plus strand (C>A on the coding strand, the complement: LAMB2 is on the minus strand). VCF-style: chr3-49124103-G-T. GRCh37 (hg19) VCF-style: chr3-49161536-G-T.
Identifiers: ClinVar variation 4783249 (VCV004783249.1).

ClinVar aggregate classification (germline): Uncertain significance (1 of 4 stars; one submission).

Conditions:
Pierson syndrome. Also called: MICROCORIA-CONGENITAL NEPHROTIC SYNDROME. Identifiers: Orphanet 2670, MedGen C1836876, MONDO:0012184, OMIM 609049.
LAMB2-related infantile-onset nephrotic syndrome. Also called: NEPHROTIC SYNDROME, TYPE 5, WITHOUT OCULAR ABNORMALITIES; NEPHROTIC SYNDROME, TYPE 5, WITH OCULAR ABNORMALITIES; Nephrotic Syndrome, type 5. Identifiers: Orphanet 306507, MedGen C3280113, MONDO:0013621, OMIM 614199.

Submission:

Labcorp Genetics (formerly Invitae), Labcorp
Classification: Uncertain significance for LAMB2-related infantile-onset nephrotic syndrome; Pierson syndrome. Last evaluated: 2025-07-28. Review status: criteria provided, single submitter. Criteria: Invitae Variant Classification Sherloc (09022015). Collection method: clinical testing. Allele origin: germline.
Comment: This sequence change falls in intron 23 of the LAMB2 gene. It does not directly change the encoded amino acid sequence of the LAMB2 protein. It affects a nucleotide within the consensus splice site. This variant is not present in population databases (gnomAD no frequency). This variant has not been reported in the literature in individuals affected with LAMB2-related conditions. Variants that disrupt the consensus splice site are a relatively common cause of aberrant splicing (PMID: 17576681, 9536098). Algorithms developed to predict the effect of sequence changes on RNA splicing suggest that this variant may disrupt the consensus splice site. In summary, the available evidence is currently insufficient to determine the role of this variant in disease. Therefore, it has been classified as a Variant of Uncertain Significance.

Literature cited by the submitters: PubMed 17576681; PubMed 9536098.